The following continues an entry in ClinVar:

NM_001048174.2(MUTYH):c.1354G>T (p.Glu452Ter)

Gene: MUTYH. ClinVar aggregate classification (germline): Pathogenic. Pathogenic (18).

Submissions 8 to 22 of 22:

All of Us Research Program, National Institutes of Health
Classification: Pathogenic for Familial adenomatous polyposis 2. Last evaluated: 2023-10-23. Review status: criteria provided, single submitter. Criteria: ACMG Guidelines, 2015. Collection method: clinical testing. Allele origin: germline. Inheritance: Autosomal recessive inheritance. Observed: 3 variant alleles, 3 heterozygotes.
Comment: This variant changes 1 nucleotide in exon 14 of the MUTYH gene, creating a premature translation stop signal. This variant is also known as E466X (c.1396G>T) based on an alternate transcript NM_001048171. This variant is expected to result in an absent or non-functional protein product. A functional study has shown that the truncated mutant protein is expressed at low levels in E. coli and exhibits lack of glycosylase activity and DNA-binding activity (PMID: 18534194). This variant has been reported in over ten homozygous individuals affected with polyposis and/or colorectal cancer (PMID: 12393807, 12853198, 17874208, 19732775, 28533537). This variant has been identified in 13/251492 chromosomes in the general population by the Genome Aggregation Database (gnomAD). Loss of MUTYH function is a known mechanism of disease. Based on the available evidence, this variant is classified as Pathogenic.

This study involves interpretation of variants in research participants for the purpose of population health screening. Participant phenotype was not available at the time of variant classification. Additional details can be found in publication PMID: 35346344, PMCID: PMC8962531

Revvity Omics, Revvity
Classification: Pathogenic for Familial adenomatous polyposis 2. Last evaluated: 2022-02-08. Review status: criteria provided, single submitter. Criteria: ACMG Guidelines, 2015. Collection method: clinical testing. Allele origin: germline.

Fulgent Genetics
Classification: Pathogenic for Familial adenomatous polyposis 2; Gastric cancer. Last evaluated: 2022-02-04. Review status: criteria provided, single submitter. Criteria: ACMG Guidelines, 2015. Collection method: clinical testing. Allele origin: unknown.

Sema4
Classification: Pathogenic for Hereditary cancer-predisposing syndrome. Last evaluated: 2021-09-13. Review status: criteria provided, single submitter. Criteria: Sema4 Curation Guidelines. Collection method: curation. Allele origin: germline.
Comment: The MUTYH c.1438G>T (p.E480X) variant has been reported in homozygosity in numerous individuals with MUTYH-Associated Polyposis / colorectal cancer (PMID: 19732775, 30604180, 28533537, 12393807). It was also reported in at least one patient with gliomas (PMID: 26902849). This nonsense variant creates a premature stop codon at residue p.E480X of the MUTYH protein. At this location, this is predicted to cause nonsense-mediated decay and result in an absent protein (loss of function). This variant was observed in 13/30616 chromosomes in the South Asian population, with 1 homozygote, according to the Genome Aggregation Database (PMID: 27535533). This variant has been reported in ClinVar (Variation ID: 5297). Based on the current evidence available, this variant is interpreted as pathogenic.

GeneDx
Classification: Pathogenic. Last evaluated: 2021-05-11. Review status: criteria provided, single submitter. Criteria: GeneDx Variant Classification Process June 2021. Collection method: clinical testing. Allele origin: germline. Affected: yes.
Comment: Nonsense variant predicted to result in protein truncation or nonsense mediated decay in a gene for which loss-of-function is a known mechanism of disease; Published functional studies demonstrate a damaging effect: defective glycosylase and DNA binding activities (Ali 2008); This variant is associated with the following publications: (PMID: 25590978, 19032956, 26202870, 27194394, 26902849, 23035301, 18534194, 33130102, 32411090, 19732775, 12393807, 12853198, 17369389, 15635083, 17874208, 28533537, 28790112, 28381238, 27631816, 30609409, 30604180)

Women's Health and Genetics/Laboratory Corporation of America, LabCorp
Classification: Pathogenic for MUTYH-associated polyposis. Last evaluated: 2020-01-17. Review status: criteria provided, single submitter. Criteria: LabCorp Variant Classification Summary - May 2015. Collection method: clinical testing. Allele origin: germline.
Comment: Variant summary: MUTYH c.1438G>T (p.Glu480X) results in a premature termination codon, predicted to cause a truncation of the encoded protein or absence of the protein due to nonsense mediated decay, which are commonly known mechanisms for disease. The variant allele was found at a frequency of 5.2e-05 in 251492 control chromosomes, predominantly at a frequency of 0.00042 within the South Asian subpopulation in the gnomAD database, including 1 homozygote. This frequency is lower than the maximum expected for a pathogenic variant in MUTYH causing MUTYH-associated Polyposis (0.00042 vs 0.0046). The variant (also referred to as p.Glu466X) has been reported in the literature in several homozygous individuals affected with MUTYH-associated Polyposis (e.g. Jones_2009, Vogt_2009), and many of the reported cases were noted to be of Indian ancestry (e.g. Sampson_2003, Dolwani_2007, Inra_2015, Khan_2017). These data indicate that the variant is very likely to be associated with disease. At least one publication reported experimental evidence evaluating an impact on protein function, and demonstrated that the truncated protein product had lost its glycosylase- and DNA binding activity (Ali_2008). Nine clinical diagnostic laboratories have submitted clinical-significance assessments for this variant to ClinVar after 2014, and all of them classified the variant as pathogenic. Based on the evidence outlined above, the variant was classified as pathogenic.

Foundation for Research in Genetics and Endocrinology, FRIGE's Institute of Human Genetics
Classification: Pathogenic for Familial adenomatous polyposis 2. Last evaluated: 2019-09-18. Review status: criteria provided, single submitter. Criteria: ACMG Guidelines, 2015. Collection method: clinical testing. Allele origin: germline. Inheritance: Autosomal recessive inheritance. Affected: yes. Observed: 1 homozygote.
Comment: A homozygous nonsense variation in exon 14 of the MUTYH gene that results in a stop codon and premature truncation of protein at codon 477 was detected. The observed variation has previously been reported in patients and families affected with colorectal cancer (Jones et al. 2002, Sampson et al. 2003) and it lies in the NUDIX domain of the MUTYH_HUMAN protein. An experimental study suggests that the variant results in defective glycosylase and DNA-binding activity. The observed variant c.1429G>T (p.Glu477Ter) has a minor allele frequency of 0.1% and 0.01% in the 1000 genomes and ExAC databases respectively. The in silico prediction of the variant is damaging by MutationTaster2. The reference codon is conserved across species. In summary, the Glu477Ter variant meets our criteria to be classified as pathogenic.

Department of Pathology and Laboratory Medicine, Sinai Health System
Classification: Pathogenic for Familial adenomatous polyposis 2. Last evaluated: 2019-04-01. Review status: criteria provided, single submitter. Criteria: ACMG Guidelines, 2015. Collection method: research. Allele origin: germline.

Illumina Laboratory Services, Illumina
Classification: Pathogenic for Familial adenomatous polyposis 2. Last evaluated: 2018-08-09. Review status: criteria provided, single submitter. Criteria: ICSL Variant Classification Criteria 09 May 2019. Collection method: clinical testing. Allele origin: germline.
Comment: The MUTYH c.1396G>T (p.Glu466Ter) variant, also referred to as p.Glu480Ter, is a stop-gained variant that is predicted to result in premature truncation of the protein. The p.Glu466Ter variant has been reported in at least four studies in which it is found in a homozygous state in 16 individuals with polyposis. Six individuals also developed colorectal cancer with an age of onset ranging between 35 to 65 years (Jones et al. 2002; Vogt et al. 2009; Inra et al. 2015; Khan et al. 2017). Control data are unavailable for this variant, which is reported at a frequency of 0.038835 in the Gujarati Indian in Houston, TX population of the 1000 Genomes Project. Functional data from Ali et al. (2008) showed that the p.Glu466Ter variant protein had dysfunctional glycosylase and DNA binding activity compared with wild type protein. Based on the evidence and potential impact of stop-gained variants, the p.Glu466Ter variant is classified as pathogenic for MYH-associated polyposis. This variant was observed by ICSL as part of a predisposition screen in an ostensibly healthy population.

Neuberg Centre For Genomic Medicine, NCGM
Classification: Pathogenic for Familial adenomatous polyposis 2. Review status: criteria provided, single submitter. Criteria: ACMG Guidelines, 2015. Collection method: clinical testing. Allele origin: germline. Inheritance: Autosomal recessive inheritance. Affected: yes.
Comment: The observed stop gained c.1354G>T (p.Glu452Ter) variant in MUTYH gene has been previously reported in homozygous and compound heterozygous states in multiple individuals affected with MUTYH related disorders (Gunadi, et al., 2023; Xiao F, et al., 2023; Patel R, et al., 2021). An experimental study suggests that the variant results in defective glycosylase and DNA-binding activity (Ali M, et. al., 2008). For these reasons, this variant has been classified as Pathogenic. In the absence of another reportable variant in MUTYH gene, the molecular diagnosis is not confirmed.

Rady Children's Institute for Genomic Medicine, Rady Children's Hospital San Diego
Classification: Pathogenic for MUTYH-Related disorders. Review status: criteria provided, single submitter. Criteria: ACMG Guidelines, 2015. Collection method: clinical testing. Allele origin: germline. Affected: yes.
Comment: This variant is also referred to as p .Glu466Ter in the literature. This nonsense variant found in exon 14 of 16 is predicted to result in loss of normal protein function through either protein truncation or nonsense-mediated mRNA decay (NMD). This variant has been previously reported as compound heterozygous and homozygous change in patients with MUTYH-related disorders (PMID: 12393807, 12853198, 15635083, 17369389, 17874208, 19032956, 19732775). This variant is commonly reported in individuals of South Asian ancestry (PMID: 12853198, 28533537, 17369389). Loss-of-function variation in MUTYH is an established mechanism of disease (PMID: 18534194, 20663686). Functional studies showed that the c.1429G>T (p.Glu477Ter) variant alters the function of the MUTYH protein (PMID: 18534194). The c.1429G>T (p.Glu477Ter) variant is present in the gnomAD population database at a frequency of 0.005% (13/ 251492) in the heterozygous state and a frequency of 0.0003% (1 /251492) in the homozygous state. Based on the available evidence, the c.1429G>T (p.Glu477Ter) variant is classified as Pathogenic.

Counsyl
Classification: Pathogenic for Familial adenomatous polyposis 2. Last evaluated: 2016-03-23. Review status: no assertion criteria provided. Collection method: clinical testing. Allele origin: unknown. Not counted in ClinVar's aggregate classification.

OMIM
Classification: Pathogenic for FAMILIAL ADENOMATOUS POLYPOSIS 2. Last evaluated: 2002-11-01. Review status: no assertion criteria provided. Collection method: literature only. Allele origin: germline. Not counted in ClinVar's aggregate classification.

Department of Pathology and Laboratory Medicine, Sinai Health System
Classification: Pathogenic for Carcinoma of colon. Review status: no assertion criteria provided. Collection method: clinical testing. Allele origin: unknown. Affected: yes. Study: The Canadian Open Genetics Repository (COGR). Not counted in ClinVar's aggregate classification.
Comment: The MUTYH p.Glu480* variant has been previously reported in numerous publications in individuals with multiple colorectal adenomas and MUTYH-associated polyposis (MAP; selected publications: Jones 2002, Vogt 2009). This variant leads to a premature stop codon at position 480, which is predicted to lead to a truncated or absent protein and loss of function. Loss of function variants of the MUTYH gene are an established disease mechanism in MAP. In addition, a functional study demonstrated that this variant led to absent glycosylase and no DNA binding activity (Ali 2008). In summary, based on the above information, this variant is classified as pathogenic.

GeneReviews
No classification provided. Condition: Familial adenomatous polyposis 2. Review status: no classification provided. Collection method: literature only. Allele origin: germline. Not counted in ClinVar's aggregate classification.
Comment: Founder variant in the British Indian population

Literature cited by the submitters: PubMed 18534194 (cited by 8 submitters); PubMed 20663686 (cited by Labcorp Genetics (formerly Invitae), Labcorp); PubMed 12393807 (cited by 8 submitters); PubMed 12853198 (cited by 5 submitters); PubMed 15635083 (cited by Labcorp Genetics (formerly Invitae), Labcorp and Quest Diagnostics Nichols Institute San Juan Capistrano); PubMed 17369389 (cited by 4 submitters); PubMed 17874208 (cited by 5 submitters); PubMed 19032956 (cited by 4 submitters); PubMed 19732775 (cited by 9 submitters); PubMed 28533537 (cited by 7 submitters); PubMed 25590978 (cited by 5 submitters); PubMed 26902849 (cited by 4 submitters); PubMed 27194394 (cited by Ambry Genetics and Laboratory for Molecular Medicine, Mass General Brigham Personalized Medicine); PubMed 30604180 (cited by Quest Diagnostics Nichols Institute San Juan Capistrano and Sema4); PubMed 35626031 (cited by Quest Diagnostics Nichols Institute San Juan Capistrano); PubMed 33471991 (cited by Quest Diagnostics Nichols Institute San Juan Capistrano); PubMed 23605219 (cited by Quest Diagnostics Nichols Institute San Juan Capistrano and Laboratory for Molecular Medicine, Mass General Brigham Personalized Medicine); PubMed 19394335 (cited by Women's Health and Genetics/Laboratory Corporation of America, LabCorp); PubMed 23035301 (cited by GeneReviews).